The following is an entry in ClinVar:

ClinVar aggregate classification (germline): Pathogenic. Review status: no assertion criteria provided (0 of 4 stars). 2 submissions from 2 submitters: Pathogenic (2). Last evaluated 2011-02-10.

Conditions:
Infantile-onset ascending hereditary spastic paralysis (IAHSP). Also called: Autosomal Recessive Juvenile Amyotrophic Lateral Sclerosis; Infantile-Onset Ascending Hereditary Spastic Paralysis (IAHSP). Identifiers: Orphanet 293168, MedGen C2931441, MONDO:0011797, OMIM 607225. Disease mechanism: loss of function.

Allele frequency attached by ClinVar (database versions not stated): gnomAD exomes below 0.00001.
gnomAD v4.1: 1 of 1,614,132 alleles (0.000062%); highest among the groups gnomAD compares: Non-Finnish European, 0.000085%; no homozygotes.

Submissions (2):

GeneReviews
Classification: Pathogenic for ALS2-Related Disorders. Last evaluated: 2011-02-10. Review status: no assertion criteria provided. Collection method: curation. Allele origin: unknown.
ClinVar note: Converted during submission from pathologic to Pathogenic.

OMIM
Classification: Pathogenic for SPASTIC PARALYSIS, INFANTILE-ONSET ASCENDING. Last evaluated: 2008-11-01. Review status: no assertion criteria provided. Collection method: literature only. Allele origin: germline.

Literature cited by the submitters: PubMed 18523452 (cited by OMIM).

NM_020919.4(ALS2):c.2143C>T (p.Gln715Ter)

Gene: ALS2 (alsin Rho guanine nucleotide exchange factor ALS2; minus strand). Cytogenetic location: 2q33.1.
Variant type: single nucleotide variant.
Coding change: c.2143C>T on transcript NM_020919.4 (MANE Select); coding-DNA position 2143, C replaced by T.
Protein change: p.Gln715Ter; replaces glutamine 715 with a stop codon.
Molecular consequence: nonsense.
Genome position (GRCh38, 1-based): chr2:201,744,285, G>A on the plus strand (C>T on the coding strand, the complement: ALS2 is on the minus strand). VCF-style: chr2-201744285-G-A. GRCh37 (hg19) VCF-style: chr2-202609008-G-A.
Other names: c.2143C>T; short protein forms Q715*.
Identifiers: ClinVar variation 4417 (VCV000004417.4), dbSNP rs121908139, ClinGen allele CA340254.